The following is an entry in ClinVar:

ClinVar aggregate classification (germline): Likely benign. Review status: criteria provided, multiple submitters, no conflicts (2 of 4 stars). 2 submissions from 2 submitters: Likely benign (2). Last evaluated 2023-12-18.

Allele frequency attached by ClinVar (database versions not stated): ExAC 0.00001; gnomAD exomes 0.00001.
gnomAD v4.1: 8 of 1,613,998 alleles (0.0005%); highest among the groups gnomAD compares: Admixed American, 0.0033%; no homozygotes.

Submissions (2):

Ambry Genetics
Classification: Likely benign. Last evaluated: 2023-12-18. Review status: criteria provided, single submitter. Criteria: Ambry Variant Classification Scheme 2023. Collection method: clinical testing. Allele origin: germline.

CeGaT Center for Human Genetics Tuebingen
Classification: Likely benign. Last evaluated: 2023-02-01. Review status: criteria provided, single submitter. Criteria: CeGaT Center For Human Genetics Tuebingen Variant Classification Criteria Version 2. Collection method: clinical testing. Allele origin: germline. Affected: yes. Observed: 1 variant allele.
Comment: ABCA13: BP4

NM_152701.5(ABCA13):c.8891A>G (p.Asn2964Ser)

Gene: ABCA13 (ATP binding cassette subfamily A member 13; plus strand). Cytogenetic location: 7p12.3.
Variant type: single nucleotide variant.
Coding change: c.8891A>G on transcript NM_152701.5 (MANE Select); coding-DNA position 8891, A replaced by G.
Protein change: p.Asn2964Ser; replaces asparagine 2964 with serine.
Molecular consequence: missense variant.
Genome position (GRCh38, 1-based): chr7:48,288,014, A>G. VCF-style: chr7-48288014-A-G. GRCh37 (hg19) VCF-style: chr7-48327611-A-G.
Other names: c.8891A>G (NM_152701.3); short protein forms N2964S.
Identifiers: ClinVar variation 2657480 (VCV002657480.25), dbSNP rs774133361, ClinGen allele CA4257806.